The following is an entry in ClinVar:

NM_001271938.2(MEGF8):c.1949G>A (p.Arg650Gln)

Gene: MEGF8 (multiple EGF like domains 8; plus strand). Cytogenetic location: 19q13.2.
Variant type: single nucleotide variant.
Coding change: c.1949G>A on transcript NM_001271938.2 (MANE Select); coding-DNA position 1949, G replaced by A.
Protein change: p.Arg650Gln; replaces arginine 650 with glutamine.
Molecular consequence: missense variant.
Genome position (GRCh38, 1-based): chr19:42,344,685, G>A. VCF-style: chr19-42344685-G-A. GRCh37 (hg19) VCF-style: chr19-42848837-G-A.
Other names: c.1949G>A (NM_001410.2); c.1949G>A, p.Arg650Gln (NM_001410.3); short protein forms R650Q.
Identifiers: ClinVar variation 1937389 (VCV001937389.7), dbSNP rs892346905, ClinGen allele CA308629437.
Genomic context (GRCh38, chr19:42,344,685, plus strand): 5'-AGCACTCCACACTGACCCACCGGCCCCCACCCCCTGTCTTCTCAGAGCAGGCCCGCTGCC[G>A]AGGGGAGCAGATCTCAGGCACTGTGGGCTGGTGGGGGCCTGCGCCTGTCTTCGTCACGTC-3'
Protein context (NP_001258867.1, residues 640-660): CLPRPEQARC[Arg650Gln]GEQISGTVGW

ClinVar aggregate classification (germline): Uncertain significance. Review status: criteria provided, multiple submitters, no conflicts (2 of 4 stars). 2 submissions from 2 submitters: Uncertain significance (2). Last evaluated 2023-02-23.

Conditions:
MEGF8-related Carpenter syndrome. Also called: Carpenter syndrome 2. Identifiers: Orphanet 65759, MedGen C3554247, MONDO:0013998, OMIM 614976.
Inborn genetic diseases. Identifiers: MedGen C0950123, MeSH D030342.

Allele frequency attached by ClinVar (database versions not stated): gnomAD 0.00001; gnomAD exomes 0.00001.
gnomAD v4.1: 20 of 1,588,544 alleles (0.0013%); highest among the groups gnomAD compares: Middle Eastern, 0.018%; no homozygotes.

Submissions (2):

Ambry Genetics
Classification: Uncertain significance for Inborn genetic diseases. Last evaluated: 2023-02-23. Review status: criteria provided, single submitter. Criteria: Ambry Variant Classification Scheme 2023. Collection method: clinical testing. Allele origin: germline.

Labcorp Genetics (formerly Invitae), Labcorp
Classification: Uncertain significance for MEGF8-related Carpenter syndrome. Last evaluated: 2022-04-07. Review status: criteria provided, single submitter. Criteria: Invitae Variant Classification Sherloc (09022015). Collection method: clinical testing. Allele origin: germline.
Comment: This variant is not present in population databases (gnomAD no frequency). In summary, the available evidence is currently insufficient to determine the role of this variant in disease. Therefore, it has been classified as a Variant of Uncertain Significance. Algorithms developed to predict the effect of missense changes on protein structure and function are either unavailable or do not agree on the potential impact of this missense change (SIFT: "Tolerated"; PolyPhen-2: "Possibly Damaging"; Align-GVGD: "Class C0"). This variant has not been reported in the literature in individuals affected with MEGF8-related conditions. This sequence change replaces arginine, which is basic and polar, with glutamine, which is neutral and polar, at codon 650 of the MEGF8 protein (p.Arg650Gln).